The following is an entry in ClinVar:

NM_006361.6(HOXB13):c.320C>G (p.Ala107Gly)

Gene: HOXB13 (homeobox B13; minus strand). Cytogenetic location: 17q21.32.
Variant type: single nucleotide variant.
Coding change: c.320C>G on transcript NM_006361.6 (MANE Select); coding-DNA position 320, C replaced by G.
Protein change: p.Ala107Gly; replaces alanine 107 with glycine.
Molecular consequence: missense variant.
Genome position (GRCh38, 1-based): chr17:48,728,274, G>C on the plus strand (C>G on the coding strand, the complement: HOXB13 is on the minus strand). VCF-style: chr17-48728274-G-C. GRCh37 (hg19) VCF-style: chr17-46805636-G-C.
Other names: short protein forms A107G.
Identifiers: ClinVar variation 3225535 (VCV003225535.1), dbSNP rs2038235731, ClinGen allele CA400107700.

ClinVar aggregate classification (germline): Uncertain significance (1 of 4 stars; one submission).

Conditions:
Hereditary cancer-predisposing syndrome. Also called: Neoplastic Syndromes, Hereditary; Tumor predisposition; Hereditary neoplastic syndrome; Hereditary Cancer Syndrome. Identifiers: Orphanet 140162, MedGen C0027672, MeSH D009386, MONDO:0015356.

Submission:

Ambry Genetics
Classification: Uncertain significance for Hereditary cancer-predisposing syndrome. Last evaluated: 2023-12-20. Review status: criteria provided, single submitter. Criteria: Ambry Variant Classification Scheme 2023. Collection method: clinical testing. Allele origin: germline.
Comment: The p.A107G variant (also known as c.320C>G), located in coding exon 1 of the HOXB13 gene, results from a C to G substitution at nucleotide position 320. The alanine at codon 107 is replaced by glycine, an amino acid with similar properties. This amino acid position is conserved. In addition, this alteration is predicted to be tolerated by in silico analysis. Since supporting evidence is limited at this time, the clinical significance of this alteration remains unclear.